The following is an entry in ClinVar:

NM_012144.4(DNAI1):c.951dup (p.Thr318fs)

Gene: DNAI1 (dynein axonemal intermediate chain 1; plus strand). Cytogenetic location: 9p13.3.
Variant type: Duplication.
Coding change: c.951dup on transcript NM_012144.4 (MANE Select); coding-DNA position 951, one base duplicated (T; older notation c.951dupT).
Protein change: p.Thr318fs; shifts the reading frame from threonine 318.
Molecular consequence: frameshift variant.
Genome position (GRCh38, 1-based): chr9:34,500,771, T duplicated. VCF-style (leftmost placement, unchanged base first): chr9-34500770-G-GT. GRCh37 (hg19) VCF-style: chr9-34500768-G-GT.
Other names: c.963dup, p.Thr322fs (NM_001281428.2); short protein forms T318fs, T322fs.
Identifiers: ClinVar variation 4720643 (VCV004720643.1).
Genomic context (GRCh38, chr9:34,500,770, plus strand): 5'-TGTGTGTTTAAGATTTTAAGTACTATGACGATGCTGCTGATGAATACCGGGACCAGGTGG[G>GT]TACCCTGCTGCCGCTCTGGAAGTTCCAAAATGACAAAGCCAAGCGCCTGTCCGTCACTGC-3'

ClinVar aggregate classification (germline): Pathogenic (1 of 4 stars; one submission).

Conditions:
Primary ciliary dyskinesia. Also called: Ciliary dyskinesia. Identifiers: Orphanet 244, MedGen C0008780, MONDO:0016575, HP:0012265.

Submission:

Labcorp Genetics (formerly Invitae), Labcorp
Classification: Pathogenic for Primary ciliary dyskinesia. Last evaluated: 2025-08-14. Review status: criteria provided, single submitter. Criteria: Invitae Variant Classification Sherloc (09022015). Collection method: clinical testing. Allele origin: germline.
Comment: This sequence change creates a premature translational stop signal (p.Thr318Tyrfs*11) in the DNAI1 gene. It is expected to result in an absent or disrupted protein product. Loss-of-function variants in DNAI1 are known to be pathogenic (PMID: 16858015, 29363216). This variant is not present in population databases (gnomAD no frequency). This premature translational stop signal has been observed in individual(s) with primary ciliary dyskinesia (PMID: 30300419). For these reasons, this variant has been classified as Pathogenic.

Literature cited by the submitters: PubMed 16858015; PubMed 29363216; PubMed 30300419.